The following is an entry in ClinVar:

NM_005529.7(HSPG2):c.12801G>T (p.Gly4267=)

Genes: HSPG2 (heparan sulfate proteoglycan 2; minus strand), LDLRAD2 (low density lipoprotein receptor class A domain containing 2; plus strand). Cytogenetic location: 1p36.12.
Variant type: single nucleotide variant.
Coding change: c.12801G>T on transcript NM_005529.7 (MANE Select); coding-DNA position 12801, G replaced by T.
Protein change: p.Gly4267=; no amino-acid change (glycine 4267 retained).
Molecular consequence: synonymous variant. On other transcripts: 3 prime UTR variant (1).
Genome position (GRCh38, 1-based): chr1:21,824,320, C>A on the plus strand (G>T on the coding strand, the complement: HSPG2 is on the minus strand). VCF-style: chr1-21824320-C-A. GRCh37 (hg19) VCF-style: chr1-22150813-C-A.
Other names: c.12804G>T, p.Gly4268= (NM_001291860.2); c.*2105C>A (NM_001013693.3).
Identifiers: ClinVar variation 618174 (VCV000618174.36), dbSNP rs79386413, ClinGen allele CA669285.

ClinVar aggregate classification (germline): Benign/Likely benign. Review status: criteria provided, multiple submitters, no conflicts (2 of 4 stars). 9 submissions from 8 submitters: Benign (8); Likely benign (1). Last evaluated 2026-01-27.

Conditions:
Schwartz-Jampel syndrome. Also called: Myotonic myopathy dwarfism chondrodystrophy and ocular and facial abnormalities. Identifiers: Orphanet 800, MedGen C0036391, MONDO:0009717.
Lethal Kniest-like syndrome (DDSH). Also called: Dyssegmental Dysplasia. Identifiers: Orphanet 1865, MedGen C1857100, MONDO:0009140, OMIM 224410.
Connective tissue disorder. Also called: Connective tissue disease. Identifiers: MedGen C0009782, MONDO:0003900.

Allele frequency attached by ClinVar (database versions not stated): gnomAD exomes 0.00081 and 0.00204; ExAC 0.00243; gnomAD 0.00774 and 0.00828; 1000 Genomes Project 0.00859; TOPMed 0.00925; 1000 Genomes Project 30x 0.00953; ESP Exome Variant Server 0.00961.
gnomAD v4.1: 2,442 of 1,613,920 alleles (0.15%); highest among the groups gnomAD compares: African/African-American, 2.7%; 23 homozygotes.

Submissions (9):

Labcorp Genetics (formerly Invitae), Labcorp
Classification: Benign. Last evaluated: 2026-01-27. Review status: criteria provided, single submitter. Criteria: Invitae Variant Classification Sherloc (09022015). Collection method: clinical testing. Allele origin: germline.

ARUP Laboratories, Molecular Genetics and Genomics, ARUP Laboratories
Classification: Benign. Last evaluated: 2024-12-27. Review status: criteria provided, single submitter. Criteria: ARUP Molecular Germline Variant Investigation Process 2024. Collection method: clinical testing. Allele origin: germline.

Blueprint Genetics
Classification: Benign. Last evaluated: 2024-11-13. Review status: criteria provided, single submitter. Criteria: ACMG Guidelines, 2015. Collection method: clinical testing. Allele origin: germline.

Athena Diagnostics
Classification: Benign. Last evaluated: 2024-06-06. Review status: criteria provided, single submitter. Criteria: Athena Diagnostics Criteria. Collection method: clinical testing. Allele origin: unknown.

GeneDx
Classification: Benign. Last evaluated: 2020-07-21. Review status: criteria provided, single submitter. Criteria: GeneDx Variant Classification Process June 2021. Collection method: clinical testing. Allele origin: germline. Affected: yes.

Genome Diagnostics Laboratory, The Hospital for Sick Children
Classification: Likely benign for Connective tissue disorder. Last evaluated: 2019-07-01. Review status: criteria provided, single submitter. Criteria: ACMG Guidelines, 2015. Collection method: clinical testing. Allele origin: germline.

Illumina Laboratory Services, Illumina
Classification: Benign for Lethal Kniest-like syndrome. Last evaluated: 2018-01-12. Review status: criteria provided, single submitter. Criteria: ICSL Variant Classification Criteria 13 December 2019. Collection method: clinical testing. Allele origin: germline.
Comment: This variant was observed in the ICSL laboratory as part of a predisposition screen in an ostensibly healthy population. It had not been previously curated by ICSL or reported in the Human Gene Mutation Database (HGMD: prior to June 1st, 2018), and was therefore a candidate for classification through an automated scoring system. Utilizing variant allele frequency, disease prevalence and penetrance estimates, and inheritance mode, an automated score was calculated to assess if this variant is too frequent to cause the disease. Based on the score and internal cut-off values, a variant classified as benign is not then subjected to further curation. The score for this variant resulted in a classification of benign for this disease.

Illumina Laboratory Services, Illumina
Classification: Benign for Schwartz-Jampel syndrome type 1. Last evaluated: 2018-01-12. Review status: criteria provided, single submitter. Criteria: ICSL Variant Classification Criteria 13 December 2019. Collection method: clinical testing. Allele origin: germline.
Comment: the same text as in the submission from Illumina Laboratory Services, Illumina above.

Breakthrough Genomics
Classification: Benign. Review status: criteria provided, single submitter. Criteria: ACMG Guidelines, 2015. Collection method: not provided. Allele origin: germline. Inheritance: Autosomal recessive inheritance. Affected: yes.

Literature cited by the submitters: PubMed 32231685 (cited by Athena Diagnostics).